The following is an entry in ClinVar:

ClinVar aggregate classification (germline): Uncertain significance (1 of 4 stars; one submission).

Conditions:
Granulomatous disease, chronic, autosomal recessive, cytochrome b-positive, type 2. Also called: Chronic granulomatous disease due to deficiency of NCF-2; Chronic Granulomatous Disease, Autosomal Recessive, Cytochrome b-Positive, Type II; GRANULOMATOUS DISEASE, CHRONIC, AUTOSOMAL RECESSIVE, 2; GRANULOMATOUS DISEASE, CHRONIC, DUE TO NCF2 DEFICIENCY; CGD, AUTOSOMAL RECESSIVE CYTOCHROME b-POSITIVE, TYPE II. Identifiers: Orphanet 379, MedGen C1856245, MONDO:0009310, OMIM 233710.

Allele frequency attached by ClinVar (database versions not stated): gnomAD exomes below 0.00001.
gnomAD v4.1: 1 of 1,614,176 alleles (0.000062%); highest among the groups gnomAD compares: Non-Finnish European, 0.000085%; no homozygotes.

Submission:

Labcorp Genetics (formerly Invitae), Labcorp
Classification: Uncertain significance for Granulomatous disease, chronic, autosomal recessive, cytochrome b-positive, type 2. Last evaluated: 2024-10-05. Review status: criteria provided, single submitter. Criteria: Invitae Variant Classification Sherloc (09022015). Collection method: clinical testing. Allele origin: germline.
Comment: This sequence change replaces leucine, which is neutral and non-polar, with valine, which is neutral and non-polar, at codon 519 of the NCF2 protein (p.Leu519Val). This variant is not present in population databases (gnomAD no frequency). This variant has not been reported in the literature in individuals affected with NCF2-related conditions. ClinVar contains an entry for this variant (Variation ID: 1502036). An algorithm developed to predict the effect of missense changes on protein structure and function (PolyPhen-2) suggests that this variant is likely to be tolerated. In summary, the available evidence is currently insufficient to determine the role of this variant in disease. Therefore, it has been classified as a Variant of Uncertain Significance.

NM_000433.4(NCF2):c.1555T>G (p.Leu519Val)

Gene: NCF2 (neutrophil cytosolic factor 2; minus strand). Cytogenetic location: 1q25.3.
Variant type: single nucleotide variant.
Coding change: c.1555T>G on transcript NM_000433.4 (MANE Select); coding-DNA position 1555, T replaced by G.
Protein change: p.Leu519Val; replaces leucine 519 with valine.
Molecular consequence: missense variant.
Genome position (GRCh38, 1-based): chr1:183,556,144, A>C on the plus strand (T>G on the coding strand, the complement: NCF2 is on the minus strand). VCF-style: chr1-183556144-A-C. GRCh37 (hg19) VCF-style: chr1-183525279-A-C.
Other names: c.1312T>G, p.Leu438Val (NM_001190789.2); c.1420T>G, p.Leu474Val (NM_001190794.2); c.1555T>G, p.Leu519Val (NM_001127651.3); short protein forms L438V, L474V, L519V.
Identifiers: ClinVar variation 1502036 (VCV001502036.7), dbSNP rs2102867422, ClinGen allele CA343703272.